The following is an entry in ClinVar:

NM_032638.5(GATA2):c.397G>A (p.Gly133Ser)

Gene: GATA2 (GATA binding protein 2; minus strand). Cytogenetic location: 3q21.3.
Variant type: single nucleotide variant.
Coding change: c.397G>A on transcript NM_032638.5 (MANE Select); coding-DNA position 397, G replaced by A.
Protein change: p.Gly133Ser; replaces glycine 133 with serine.
Molecular consequence: missense variant.
Genome position (GRCh38, 1-based): chr3:128,486,201, C>T on the plus strand (G>A on the coding strand, the complement: GATA2 is on the minus strand). VCF-style: chr3-128486201-C-T. GRCh37 (hg19) VCF-style: chr3-128205044-C-T.
Other names: c.397G>A, p.Gly133Ser (NM_001145661.2, NM_001145662.1); short protein forms G133S.
Identifiers: ClinVar variation 639330 (VCV000639330.11), dbSNP rs1468344279, ClinGen allele CA354406932.
Genomic context (GRCh38, chr3:128,486,201, plus strand): 5'-CGCTGCCTCCCCCGCTCCCACCCCCAGCCCCTGGGTACACAGAGAGTGGGCCTCCAGGGC[C>T]TCCAGCAGCTGAGGGGTGCAGTGGCGTCTTGGAGAAGGGGCTCACGGTCCAGGGGTTGTG-3'
Protein context (NP_116027.2, residues 123-143): KTPLHPSAAG[Gly133Ser]PGGPLSVYPG

ClinVar aggregate classification (germline): Uncertain significance. Review status: criteria provided, multiple submitters, no conflicts (2 of 4 stars). 2 submissions from 2 submitters: Uncertain significance (2). Last evaluated 2025-05-07.

Conditions:
Inborn genetic diseases. Identifiers: MedGen C0950123, MeSH D030342.
Monocytopenia with susceptibility to infections. Also called: Dendritic cell, monocyte, B lymphocyte, and natural killer lymphocyte deficiency; GATA2 DEFICIENCY; MONOCYTOPENIA AND MYCOBACTERIAL INFECTION SYNDROME; MONOCYTOPENIA WITH SUSCEPTIBILITY TO MYCOBACTERIAL, FUNGAL, AND PAPILLOMAVIRUS INFECTIONS AND MYELODYSPLASIA; COMBINED IMMUNODEFICIENCY WITH SUSCEPTIBILITY TO MYCOBACTERIAL, VIRAL, AND FUNGAL INFECTIONS; IMMUNODEFICIENCY 21. Identifiers: Orphanet 228423, MedGen C3280030, MONDO:0013607, OMIM 614172.
Deafness-lymphedema-leukemia syndrome. Also called: Lymphedema, primary, with myelodysplasia; Emberger syndrome. Identifiers: Orphanet 3226, MedGen C3279664, MONDO:0013540, OMIM 614038.

Submissions (2):

Labcorp Genetics (formerly Invitae), Labcorp
Classification: Uncertain significance for Monocytopenia with susceptibility to infections; Deafness-lymphedema-leukemia syndrome. Last evaluated: 2025-05-07. Review status: criteria provided, single submitter. Criteria: Invitae Variant Classification Sherloc (09022015). Collection method: clinical testing. Allele origin: germline.
Comment: This sequence change replaces glycine, which is neutral and non-polar, with serine, which is neutral and polar, at codon 133 of the GATA2 protein (p.Gly133Ser). This variant is not present in population databases (gnomAD no frequency). This variant has not been reported in the literature in individuals affected with GATA2-related conditions. ClinVar contains an entry for this variant (Variation ID: 639330). Invitae Evidence Modeling of protein sequence and biophysical properties (such as structural, functional, and spatial information, amino acid conservation, physicochemical variation, residue mobility, and thermodynamic stability) indicates that this missense variant is not expected to disrupt GATA2 protein function with a negative predictive value of 95%. In summary, the available evidence is currently insufficient to determine the role of this variant in disease. Therefore, it has been classified as a Variant of Uncertain Significance.

Ambry Genetics
Classification: Uncertain significance for Inborn genetic diseases. Last evaluated: 2025-02-07. Review status: criteria provided, single submitter. Criteria: Ambry Variant Classification Scheme 2023. Collection method: clinical testing. Allele origin: germline.
Comment: The p.G133S variant (also known as c.397G>A), located in coding exon 2 of the GATA2 gene, results from a G to A substitution at nucleotide position 397. The glycine at codon 133 is replaced by serine, an amino acid with similar properties. This amino acid position is not well conserved in available vertebrate species. In addition, this alteration is predicted to be tolerated by in silico analysis. Based on the available evidence, the clinical significance of this variant remains unclear.